The following is an entry in ClinVar:

ClinVar aggregate classification (germline): Conflicting classifications of pathogenicity. Review status: criteria provided, conflicting classifications (1 of 4 stars). 2 submissions from 2 submitters: Uncertain significance (1); Likely benign (1). Last evaluated 2023-06-16.

Conditions:
Hereditary cancer-predisposing syndrome. Also called: Hereditary Cancer Syndrome; Neoplastic Syndromes, Hereditary; Tumor predisposition; Hereditary neoplastic syndrome. Identifiers: Orphanet 140162, MedGen C0027672, MeSH D009386, MONDO:0015356.
Ataxia-telangiectasia syndrome (AT). Also called: Cerebello-oculocutaneous telangiectasia; Immunodeficiency with ataxia telangiectasia; Ataxia-telangiectasia, complementation group E; Ataxia-telangiectasia, complementation group D; AT, COMPLEMENTATION GROUP C; ATAXIA-TELANGIECTASIA, COMPLEMENTATION GROUP A. Identifiers: Orphanet 100, MedGen C0004135, MONDO:0008840, OMIM 208900.

Allele frequency attached by ClinVar (database versions not stated): gnomAD exomes below 0.00001.
gnomAD v4.1: 1 of 1,591,284 alleles (0.000063%); highest among the groups gnomAD compares: South Asian, 0.0011%; no homozygotes.

Submissions (2):

Labcorp Genetics (formerly Invitae), Labcorp
Classification: Uncertain significance for Ataxia-telangiectasia syndrome. Last evaluated: 2023-06-16. Review status: criteria provided, single submitter. Criteria: Invitae Variant Classification Sherloc (09022015). Collection method: clinical testing. Allele origin: germline.
Comment: This sequence change falls in intron 59 of the ATM gene. It does not directly change the encoded amino acid sequence of the ATM protein. This variant is not present in population databases (gnomAD no frequency). This variant has not been reported in the literature in individuals affected with ATM-related conditions. ClinVar contains an entry for this variant (Variation ID: 490743). Algorithms developed to predict the effect of sequence changes on RNA splicing suggest that this variant may create or strengthen a splice site. In summary, the available evidence is currently insufficient to determine the role of this variant in disease. Therefore, it has been classified as a Variant of Uncertain Significance.

Color Diagnostics, LLC DBA Color Health
Classification: Likely benign for Hereditary cancer-predisposing syndrome. Last evaluated: 2016-09-26. Review status: criteria provided, single submitter. Criteria: ACMG Guidelines, 2015. Collection method: clinical testing. Allele origin: germline.

NM_000051.4(ATM):c.8672-6C>A

Genes: ATM (ATM serine/threonine kinase; plus strand), C11orf65 (chromosome 11 open reading frame 65; minus strand). Cytogenetic location: 11q22.3.
Variant type: single nucleotide variant.
Coding change: c.8672-6C>A on transcript NM_000051.4 (MANE Select); 6 bases into the intron before coding-DNA position 8672, C replaced by A.
Molecular consequence: intron variant.
Genome position (GRCh38, 1-based): chr11:108,353,760, C>A. VCF-style: chr11-108353760-C-A. GRCh37 (hg19) VCF-style: chr11-108224487-C-A.
Other names: c.8672-6C>A (NM_001351834.2); c.640+32160G>T (NM_001330368.2); c.695-18468G>T (NM_001351110.2).
Identifiers: ClinVar variation 490743 (VCV000490743.8), dbSNP rs1555142794, ClinGen allele CA658683722.